The following is an entry in ClinVar:

NM_001378454.1(ALMS1):c.4221dup (p.Val1408fs)

Gene: ALMS1 (ALMS1 centrosome and basal body associated protein; plus strand). Cytogenetic location: 2p13.1.
Variant type: Duplication.
Coding change: c.4221dup on transcript NM_001378454.1 (MANE Select); coding-DNA position 4221, one base duplicated (C; older notation c.4221dupC).
Protein change: p.Val1408fs; shifts the reading frame from valine 1408.
Molecular consequence: frameshift variant.
Genome position (GRCh38, 1-based): chr2:73,450,748, C duplicated. VCF-style (leftmost placement, unchanged base first): chr2-73450747-A-AC. GRCh37 (hg19) VCF-style: chr2-73677874-A-AC.
Other names: c.4224dup, p.Val1409fs (NM_015120.4); short protein forms V1409fs, V1408fs.
Identifiers: ClinVar variation 1395818 (VCV001395818.6), dbSNP rs2103781901, ClinGen allele CA2573135781.

ClinVar aggregate classification (germline): Pathogenic (1 of 4 stars; one submission).

Conditions:
Alstrom syndrome (ALMS). Identifiers: Orphanet 64, MedGen C0268425, MONDO:0008763, OMIM 203800.

Submission:

Labcorp Genetics (formerly Invitae), Labcorp
Classification: Pathogenic for Alstrom syndrome. Last evaluated: 2021-09-21. Review status: criteria provided, single submitter. Criteria: Invitae Variant Classification Sherloc (09022015). Collection method: clinical testing. Allele origin: germline.
Comment: For these reasons, this variant has been classified as Pathogenic. This variant has not been reported in the literature in individuals affected with ALMS1-related conditions. This variant is not present in population databases (ExAC no frequency). This sequence change creates a premature translational stop signal (p.Val1409Argfs*9) in the ALMS1 gene. It is expected to result in an absent or disrupted protein product. Loss-of-function variants in ALMS1 are known to be pathogenic (PMID: 17594715).

Literature cited by the submitters: PubMed 17594715.